The following is an entry in ClinVar:

NM_001386795.1(DTNA):c.1397G>C (p.Arg466Thr)

Gene: DTNA (dystrobrevin alpha; plus strand). Cytogenetic location: 18q12.1.
Variant type: single nucleotide variant.
Coding change: c.1397G>C on transcript NM_001386795.1 (MANE Select); coding-DNA position 1397, G replaced by C.
Protein change: p.Arg466Thr; replaces arginine 466 with threonine.
Molecular consequence: missense variant. On other transcripts: intron variant (1).
Genome position (GRCh38, 1-based): chr18:34,848,346, G>C. VCF-style: chr18-34848346-G-C. GRCh37 (hg19) VCF-style: chr18-32428310-G-C.
Other names: c.1136G>C, p.Arg379Thr (NM_001198938.2, NM_001198939.2, NM_001198940.2 and 13 more transcripts); c.443G>C, p.Arg148Thr (NM_001198942.1); c.386G>C, p.Arg129Thr (NM_001198943.1); c.272G>C, p.Arg91Thr (NM_001198944.1); c.1226G>C, p.Arg409Thr (NM_001386754.1, NM_001386755.1, NM_001386756.1 and 5 more transcripts); c.1145G>C, p.Arg382Thr (NM_001386761.1, NM_001386762.1, NM_032975.4 and 1 more transcripts); c.1397G>C, p.Arg466Thr (NM_001386788.1); c.1316G>C, p.Arg439Thr (NM_001390.5, NM_001391.5); and 4 more; short protein forms R439T, R436T, R382T, R379T, R129T, R87T, R148T, R61T.
Identifiers: ClinVar variation 579462 (VCV000579462.12), dbSNP rs762579551, ClinGen allele CA8935695.
Genomic context (GRCh38, chr18:34,848,346, plus strand): 5'-TTCTTAATAGCATGCTTGAGAGTTCAAACCGGCTTGATGAAGAACACAGGCTAATTGCCA[G>C]GTATGCGGCAAGGCTGGCAGCAGAGTCCTCTTCGTCTGTAAGTAGTTGGAGTAAAAGGAT-3'
Protein context (NP_001373724.1, residues 456-476): RLDEEHRLIA[Arg466Thr]YAARLAAESS

ClinVar aggregate classification (germline): Uncertain significance. Review status: criteria provided, multiple submitters, no conflicts (2 of 4 stars). 3 submissions from 3 submitters: Uncertain significance (3). Last evaluated 2024-11-25.

Conditions:
Left ventricular noncompaction 1 (LVNC1). Also called: LEFT VENTRICULAR NONCOMPACTION 1 WITH OR WITHOUT CONGENITAL HEART DEFECTS. Identifiers: Orphanet 54260, MedGen C1858725, MONDO:0011403, OMIM 604169.

Allele frequency attached by ClinVar (database versions not stated): gnomAD exomes 0.00001; ExAC 0.00002.
gnomAD v4.1: 20 of 1,614,076 alleles (0.0012%); highest among the groups gnomAD compares: South Asian, 0.0055%; no homozygotes.

Submissions (3):

Ambry Genetics
Classification: Uncertain significance. Last evaluated: 2024-11-25. Review status: criteria provided, single submitter. Criteria: Ambry Variant Classification Scheme 2023. Collection method: clinical testing. Allele origin: germline.

Blueprint Genetics
Classification: Uncertain significance. Last evaluated: 2024-09-20. Review status: criteria provided, single submitter. Criteria: ACMG Guidelines, 2015. Collection method: clinical testing. Allele origin: germline.

Labcorp Genetics (formerly Invitae), Labcorp
Classification: Uncertain significance for Left ventricular noncompaction 1. Last evaluated: 2022-07-05. Review status: criteria provided, single submitter. Criteria: Invitae Variant Classification Sherloc (09022015). Collection method: clinical testing. Allele origin: germline.
Comment: Algorithms developed to predict the effect of sequence changes on RNA splicing suggest that this variant may disrupt the consensus splice site. In summary, the available evidence is currently insufficient to determine the role of this variant in disease. Therefore, it has been classified as a Variant of Uncertain Significance. Algorithms developed to predict the effect of missense changes on protein structure and function are either unavailable or do not agree on the potential impact of this missense change (SIFT: "Deleterious"; PolyPhen-2: "Possibly Damaging"; Align-GVGD: "Class C0"). ClinVar contains an entry for this variant (Variation ID: 579462). This variant has not been reported in the literature in individuals affected with DTNA-related conditions. This variant is present in population databases (rs762579551, gnomAD 0.003%). This sequence change replaces arginine, which is basic and polar, with threonine, which is neutral and polar, at codon 436 of the DTNA protein (p.Arg436Thr).